The following is an entry in ClinVar:

NM_000235.4(LIPA):c.851C>T (p.Ser284Phe)

Gene: LIPA (lipase A, lysosomal acid type; minus strand). Cytogenetic location: 10q23.31.
Variant type: single nucleotide variant.
Coding change: c.851C>T on transcript NM_000235.4 (MANE Select); coding-DNA position 851, C replaced by T.
Protein change: p.Ser284Phe; replaces serine 284 with phenylalanine.
Molecular consequence: missense variant.
Genome position (GRCh38, 1-based): chr10:89,222,554, G>A on the plus strand (C>T on the coding strand, the complement: LIPA is on the minus strand). VCF-style: chr10-89222554-G-A. GRCh37 (hg19) VCF-style: chr10-90982311-G-A.
Other names: c.851C>T, p.Ser284Phe (NM_001127605.3); c.503C>T, p.Ser168Phe (NM_001288979.2); short protein forms S168F, S284F.
Identifiers: ClinVar variation 931956 (VCV000931956.4), dbSNP rs1261613499, ClinGen allele CA377516733.

ClinVar aggregate classification (germline): Uncertain significance (1 of 4 stars; one submission).

Conditions:
Lysosomal acid lipase deficiency. Also called: Acid cholesteryl ester hydrolase deficiency, type 2. Identifiers: Orphanet 275761, MedGen C5574740, MONDO:0800449, MONDO:0010204.

gnomAD v4.1: 3 of 1,609,212 alleles (0.00019%); highest among the groups gnomAD compares: South Asian, 0.0011%; no homozygotes.

Submission:

Centre for Mendelian Genomics, University Medical Centre Ljubljana
Classification: Uncertain significance for Cholesteryl ester storage disease. Last evaluated: 2018-11-20. Review status: criteria provided, single submitter. Criteria: ACMG Guidelines, 2015. Collection method: clinical testing. Allele origin: unknown. Affected: yes.
Comment: This variant was classified as: Uncertain significance. The available evidence favors the pathogenic nature of this variant, however the currently available data is insufficient to conclusively support its pathogenic nature. Thus this variant is classified as Uncertain significance - favor pathogenic. The following ACMG criteria were applied in classifying this variant: PM2,BP4. This variant was detected in homozygous state.